The following is an entry in ClinVar:

NM_000388.4(CASR):c.2618G>T (p.Arg873Leu)

Gene: CASR (calcium sensing receptor; plus strand). Cytogenetic location: 3q21.1.
Variant type: single nucleotide variant.
Coding change: c.2618G>T on transcript NM_000388.4 (MANE Select); coding-DNA position 2618, G replaced by T.
Protein change: p.Arg873Leu; replaces arginine 873 with leucine.
Molecular consequence: missense variant.
Genome position (GRCh38, 1-based): chr3:122,284,572, G>T. VCF-style: chr3-122284572-G-T. GRCh37 (hg19) VCF-style: chr3-122003419-G-T.
Other names: c.2648G>T, p.Arg883Leu (NM_001178065.2); short protein forms R883L, R873L.
Identifiers: ClinVar variation 4786223 (VCV004786223.1).

ClinVar aggregate classification (germline): Uncertain significance (1 of 4 stars; one submission).

Conditions:
Autosomal dominant hypocalcemia 1 (HYPOC1). Also called: HYPOCALCEMIA, FAMILIAL. Identifiers: MedGen C3715128, MONDO:0011013, OMIM 601198.
Familial hypocalciuric hypercalcemia (FHH). Also called: Familial benign hypercalcemia. Identifiers: Orphanet 405, MedGen C1809471, MONDO:0018458.

Submission:

Labcorp Genetics (formerly Invitae), Labcorp
Classification: Uncertain significance for Familial hypocalciuric hypercalcemia; Autosomal dominant hypocalcemia 1. Last evaluated: 2025-09-24. Review status: criteria provided, single submitter. Criteria: Invitae Variant Classification Sherloc (09022015). Collection method: clinical testing. Allele origin: germline.
Comment: This sequence change replaces arginine, which is basic and polar, with leucine, which is neutral and non-polar, at codon 873 of the CASR protein (p.Arg873Leu). This variant is not present in population databases (gnomAD no frequency). This variant has not been reported in the literature in individuals affected with CASR-related conditions. An algorithm developed to predict the effect of missense changes on protein structure and function (PolyPhen-2) suggests that this variant is likely to be disruptive. In summary, the available evidence is currently insufficient to determine the role of this variant in disease. Therefore, it has been classified as a Variant of Uncertain Significance.